The following is an entry in ClinVar:

ClinVar aggregate classification (germline): Uncertain significance (1 of 4 stars; one submission).

Conditions:
Hereditary cancer-predisposing syndrome. Also called: Hereditary Cancer Syndrome; Hereditary neoplastic syndrome; Tumor predisposition; Neoplastic Syndromes, Hereditary. Identifiers: Orphanet 140162, MedGen C0027672, MeSH D009386, MONDO:0015356.

Allele frequency attached by ClinVar (database versions not stated): gnomAD exomes below 0.00001.
gnomAD v4.1: 2 of 1,614,194 alleles (0.00012%); highest among the groups gnomAD compares: Non-Finnish European, 0.00017%; no homozygotes.

Submission:

Ambry Genetics
Classification: Uncertain significance for Hereditary cancer-predisposing syndrome. Last evaluated: 2025-06-16. Review status: criteria provided, single submitter. Criteria: Ambry Variant Classification Scheme 2023. Collection method: clinical testing. Allele origin: germline.
Comment: The p.A367G variant (also known as c.1100C>G), located in coding exon 11 of the NF2 gene, results from a C to G substitution at nucleotide position 1100. The alanine at codon 367 is replaced by glycine, an amino acid with similar properties. This amino acid position is highly conserved in available vertebrate species. In addition, the in silico prediction for this alteration is inconclusive. Since supporting evidence is limited at this time, the clinical significance of this alteration remains unclear.

NM_000268.4(NF2):c.1100C>G (p.Ala367Gly)

Gene: NF2 (NF2, moesin-ezrin-radixin like (MERLIN) tumor suppressor; plus strand). Cytogenetic location: 22q12.2.
Variant type: single nucleotide variant.
Coding change: c.1100C>G on transcript NM_000268.4 (MANE Select); coding-DNA position 1100, C replaced by G.
Protein change: p.Ala367Gly; replaces alanine 367 with glycine.
Molecular consequence: missense variant. On other transcripts: non-coding transcript variant (1), intron variant (1).
Genome position (GRCh38, 1-based): chr22:29,671,926, C>G. VCF-style: chr22-29671926-C-G. GRCh37 (hg19) VCF-style: chr22-30067915-C-G.
Other names: c.986C>G, p.Ala329Gly (NM_001407053.1, NM_001407056.1); c.977C>G, p.Ala326Gly (NM_001407054.1, NM_001407058.1, NM_181829.3); c.974C>G, p.Ala325Gly (NM_001407055.1, NM_181828.3); c.965C>G, p.Ala322Gly (NM_001407057.1, NM_001407059.1); c.1100C>G, p.Ala367Gly (NM_001407060.1, NM_001407066.1, NM_016418.5 and 2 more transcripts); c.842C>G, p.Ala281Gly (NM_001407062.1); c.851C>G, p.Ala284Gly (NM_001407063.1, NM_001407064.1, NM_181830.3 and 1 more transcripts); c.566C>G, p.Ala189Gly (NM_001407065.1); and 2 more; short protein forms A284G, A326G, A367G, A189G, A290G, A325G, A281G, A322G.
Identifiers: ClinVar variation 1792298 (VCV001792298.3), dbSNP rs2066805331, ClinGen allele CA411147142.